The following is an entry in ClinVar:

NM_152564.5(VPS13B):c.7186G>A (p.Val2396Ile)

Gene: VPS13B (vacuolar protein sorting 13 homolog B; plus strand). Cytogenetic location: 8q22.2.
Variant type: single nucleotide variant.
Coding change: c.7186G>A on transcript NM_152564.5 (MANE Select); coding-DNA position 7186, G replaced by A.
Protein change: p.Val2396Ile; replaces valine 2396 with isoleucine.
Molecular consequence: missense variant.
Genome position (GRCh38, 1-based): chr8:99,766,909, G>A. VCF-style: chr8-99766909-G-A. GRCh37 (hg19) VCF-style: chr8-100779137-G-A.
Other names: c.7261G>A, p.Val2421Ile (NM_017890.5); short protein forms V2396I, V2421I.
Identifiers: ClinVar variation 2805737 (VCV002805737.4), dbSNP rs1811255457, ClinGen allele CA371874427.
Genomic context (GRCh38, chr8:99,766,909, plus strand): 5'-AGCAAAGTTTGTGAACTGCAGTTGCCGGATATCAATCTCGTGAATGACCAGAAGAAATTA[G>A]TATCTTCAGATCTTTGGAGAATTGTCTTGAACAGCAGTCAAAATGGAGCTGATGACCAAA-3'
Protein context (NP_689777.3, residues 2386-2406): INLVNDQKKL[Val2396Ile]SSDLWRIVLN

ClinVar aggregate classification (germline): Uncertain significance. Review status: criteria provided, multiple submitters, no conflicts (2 of 4 stars). 2 submissions from 2 submitters: Uncertain significance (2). Last evaluated 2025-11-28.

Conditions:
VPS13B-related disorder. Also called: VPS13B-related condition.
Cohen syndrome (COH1). Also called: PEPPER SYNDROME; Cutis verticis gyrata, retinitis pigmentosa, and sensorineural deafness. Identifiers: Orphanet 193, MedGen C0265223, MONDO:0008999, OMIM 216550.

gnomAD v4.1: 2 of 1,614,008 alleles (0.00012%); highest among the groups gnomAD compares: Non-Finnish European, 0.000085%; no homozygotes.

Submissions (2):

PreventionGenetics, part of Exact Sciences
Classification: Uncertain significance for VPS13B-related condition. Last evaluated: 2025-11-28. Review status: criteria provided, single submitter. Criteria: ACMG Guidelines, 2015. Collection method: clinical testing. Allele origin: germline.
Comment: The VPS13B c.7186G>A variant is predicted to result in the amino acid substitution p.Val2396Ile. To our knowledge, this variant has not been reported in the literature or in a large population database (gnomAD), indicating this variant is rare. At this time, the clinical significance of this variant is uncertain due to the absence of conclusive functional and genetic evidence.

Labcorp Genetics (formerly Invitae), Labcorp
Classification: Uncertain significance for Cohen syndrome. Last evaluated: 2023-09-08. Review status: criteria provided, single submitter. Criteria: Invitae Variant Classification Sherloc (09022015). Collection method: clinical testing. Allele origin: germline.
Comment: This sequence change replaces valine, which is neutral and non-polar, with isoleucine, which is neutral and non-polar, at codon 2421 of the VPS13B protein (p.Val2421Ile). This variant is not present in population databases (gnomAD no frequency). This variant has not been reported in the literature in individuals affected with VPS13B-related conditions. Advanced modeling of protein sequence and biophysical properties (such as structural, functional, and spatial information, amino acid conservation, physicochemical variation, residue mobility, and thermodynamic stability) performed at Invitae indicates that this missense variant is not expected to disrupt VPS13B protein function. In summary, the available evidence is currently insufficient to determine the role of this variant in disease. Therefore, it has been classified as a Variant of Uncertain Significance.